The following is an entry in ClinVar:

ClinVar aggregate classification (germline): Uncertain significance. Review status: criteria provided, multiple submitters, no conflicts (2 of 4 stars). 2 submissions from 2 submitters: Uncertain significance (2). Last evaluated 2024-04-30.

Conditions:
Hereditary cancer-predisposing syndrome. Also called: Hereditary Cancer Syndrome; Neoplastic Syndromes, Hereditary; Tumor predisposition; Hereditary neoplastic syndrome. Identifiers: Orphanet 140162, MedGen C0027672, MeSH D009386, MONDO:0015356.

gnomAD v4.1: 7 of 1,613,250 alleles (0.00043%); highest among the groups gnomAD compares: Non-Finnish European, 0.00059%; no homozygotes.

Submissions (2):

Ambry Genetics
Classification: Uncertain significance for Hereditary cancer-predisposing syndrome. Last evaluated: 2024-04-30. Review status: criteria provided, single submitter. Criteria: Ambry Variant Classification Scheme 2023. Collection method: clinical testing. Allele origin: germline.
Comment: The p.Q1851H variant (also known as c.5553G>C) is located in coding exon 41 of the POLE gene. The glutamine at codon 1851 is replaced by histidine, an amino acid with highly similar properties. This change occurs in the first base pair of coding exon 41. This amino acid position is conserved. In addition, the in silico prediction for this alteration is inconclusive. Based on the available evidence, the clinical significance of this variant remains unclear.

Labcorp Genetics (formerly Invitae), Labcorp
Classification: Uncertain significance. Last evaluated: 2023-12-06. Review status: criteria provided, single submitter. Criteria: Invitae Variant Classification Sherloc (09022015). Collection method: clinical testing. Allele origin: germline.
Comment: This sequence change replaces glutamine, which is neutral and polar, with histidine, which is basic and polar, at codon 1851 of the POLE protein (p.Gln1851His). This variant is not present in population databases (gnomAD no frequency). This variant has not been reported in the literature in individuals affected with POLE-related conditions. ClinVar contains an entry for this variant (Variation ID: 1023226). An algorithm developed to predict the effect of missense changes on protein structure and function (PolyPhen-2) suggests that this variant is likely to be disruptive. In summary, the available evidence is currently insufficient to determine the role of this variant in disease. Therefore, it has been classified as a Variant of Uncertain Significance.

NM_006231.4(POLE):c.5553G>C (p.Gln1851His)

Gene: POLE (DNA polymerase epsilon, catalytic subunit; minus strand). Cytogenetic location: 12q24.33.
Variant type: single nucleotide variant.
Coding change: c.5553G>C on transcript NM_006231.4 (MANE Select); coding-DNA position 5553, G replaced by C.
Protein change: p.Gln1851His; replaces glutamine 1851 with histidine.
Molecular consequence: missense variant.
Genome position (GRCh38, 1-based): chr12:132,638,139, C>G on the plus strand (G>C on the coding strand, the complement: POLE is on the minus strand). VCF-style: chr12-132638139-C-G. GRCh37 (hg19) VCF-style: chr12-133214725-C-G.
Other names: c.5553G>C (NM_006231.2); short protein forms Q1851H.
Identifiers: ClinVar variation 1023226 (VCV001023226.5), dbSNP rs1187751865, ClinGen allele CA387374220.
Genomic context (GRCh38, chr12:132,638,139, plus strand): 5'-GATGCGGTTGAAGTTGGCGTAGATGACTGATGACCCCAGGCGCTTGAACTCAGCGATGAG[C>G]CTGTGGAGCAAGTTGAGAGTCCGTGGTGGAGACGCCACAGTCATGGAGAGCCAGAGGGCA-3'
Protein context (NP_006222.2, residues 1841-1861): LHNMMKKLFL[Gln1851His]LIAEFKRLGS